The following is an entry in ClinVar:

NM_015271.5(TRIM2):c.262C>T (p.Pro88Ser)

Gene: TRIM2 (tripartite motif containing 2; plus strand). Cytogenetic location: 4q31.3.
Variant type: single nucleotide variant.
Coding change: c.262C>T on transcript NM_015271.5 (MANE Select); coding-DNA position 262, C replaced by T.
Protein change: p.Pro88Ser; replaces proline 88 with serine.
Molecular consequence: missense variant. On other transcripts: 5 prime UTR variant (2), intron variant (2).
Genome position (GRCh38, 1-based): chr4:153,275,939, C>T. VCF-style: chr4-153275939-C-T. GRCh37 (hg19) VCF-style: chr4-154197091-C-T.
Other names: c.181C>T, p.Pro61Ser (NM_001130067.2, NM_001351056.2, NM_001375512.1 and 5 more transcripts); c.262C>T, p.Pro88Ser (NM_001302692.2, NM_001375488.1, NM_001375490.1 and 1 more transcripts); c.259C>T, p.Pro87Ser (NM_001302693.2, NM_001375489.1, NM_001375491.1 and 1 more transcripts); c.235C>T, p.Pro79Ser (NM_001302694.2, NM_001351054.2); c.232C>T, p.Pro78Ser (NM_001351055.2); c.-296C>T (NM_001351057.2); c.-78C>T (NM_001375525.1); c.-74-4C>T (NM_001375523.1, NM_001375522.1); short protein forms P61S, P78S, P87S, P79S, P88S.
Identifiers: ClinVar variation 3018510 (VCV003018510.3), dbSNP rs1202525768, ClinGen allele CA358469937.

ClinVar aggregate classification (germline): Uncertain significance (1 of 4 stars; one submission).

Conditions:
Charcot-Marie-Tooth disease type 2R. Also called: Charcot-Marie-Tooth disease, axonal, type 2R; CHARCOT-MARIE-TOOTH DISEASE, AXONAL, AUTOSOMAL RECESSIVE, TYPE 2R; CHARCOT-MARIE-TOOTH NEUROPATHY, TYPE 2R. Identifiers: Orphanet 397968, MedGen C3809655, MONDO:0014208, OMIM 615490.

Allele frequency attached by ClinVar (database versions not stated): gnomAD 0.00001; gnomAD exomes below 0.00001.

Submission:

Labcorp Genetics (formerly Invitae), Labcorp
Classification: Uncertain significance for Charcot-Marie-Tooth disease type 2R. Last evaluated: 2025-10-02. Review status: criteria provided, single submitter. Criteria: Invitae Variant Classification Sherloc (09022015). Collection method: clinical testing. Allele origin: germline.
Comment: This sequence change replaces proline, which is neutral and non-polar, with serine, which is neutral and polar, at codon 61 of the TRIM2 protein (p.Pro61Ser). This variant is present in population databases (no rsID available, gnomAD no frequency). This variant has not been reported in the literature in individuals affected with TRIM2-related conditions. ClinVar contains an entry for this variant (Variation ID: 3018510). An algorithm developed to predict the effect of missense changes on protein structure and function (PolyPhen-2) suggests that this variant is likely to be disruptive. In summary, the available evidence is currently insufficient to determine the role of this variant in disease. Therefore, it has been classified as a Variant of Uncertain Significance.